The following is an entry in ClinVar:

ClinVar aggregate classification (germline): Uncertain significance (1 of 4 stars; one submission).

Submission:

GeneDx
Classification: Uncertain significance. Last evaluated: 2024-05-28. Review status: criteria provided, single submitter. Criteria: GeneDx Variant Classification Process June 2021. Collection method: clinical testing. Allele origin: germline. Affected: yes.
Comment: Not observed at significant frequency in large population cohorts (gnomAD); Has not been previously published as pathogenic or benign to our knowledge; In silico analysis does not support a benign or deleterious effect of this variant on protein structure/function

NM_001372044.2(SHANK3):c.3440C>A (p.Ser1147Tyr)

Gene: SHANK3 (SH3 and multiple ankyrin repeat domains 3; plus strand). Cytogenetic location: 22q13.33.
Variant type: single nucleotide variant.
Coding change: c.3440C>A on transcript NM_001372044.2 (MANE Select); coding-DNA position 3440, C replaced by A.
Protein change: p.Ser1147Tyr; replaces serine 1147 with tyrosine.
Molecular consequence: missense variant.
Genome position (GRCh38, 1-based): chr22:50,721,048, C>A. VCF-style: chr22-50721048-C-A. GRCh37 (hg19) VCF-style: chr22-51159476-C-A.
Other names: c.3215C>A (NM_033517.1); short protein forms S1147Y.
Identifiers: ClinVar variation 3384446 (VCV003384446.1).